The following is an entry in ClinVar:

NM_001199397.3(NEK1):c.2815A>G (p.Lys939Glu)

Gene: NEK1 (NIMA related kinase 1; minus strand). Cytogenetic location: 4q33.
Variant type: single nucleotide variant.
Coding change: c.2815A>G on transcript NM_001199397.3 (MANE Select); coding-DNA position 2815, A replaced by G.
Protein change: p.Lys939Glu; replaces lysine 939 with glutamic acid.
Molecular consequence: missense variant. On other transcripts: non-coding transcript variant (1).
Genome position (GRCh38, 1-based): chr4:169,433,615, T>C on the plus strand (A>G on the coding strand, the complement: NEK1 is on the minus strand). VCF-style: chr4-169433615-T-C. GRCh37 (hg19) VCF-style: chr4-170354766-T-C.
Other names: c.2683A>G, p.Lys895Glu (NM_001199398.3); c.2524A>G, p.Lys842Glu (NM_001199399.3); c.2599A>G, p.Lys867Glu (NM_001199400.3); c.2815A>G, p.Lys939Glu (NM_001374418.1); c.2731A>G, p.Lys911Glu (NM_001374419.1, NM_012224.4); c.2680A>G, p.Lys894Glu (NM_001374420.1); c.2332A>G, p.Lys778Glu (NM_001374421.1); short protein forms K911E, K939E, K895E, K842E, K867E, K778E, K894E.
Identifiers: ClinVar variation 435971 (VCV000435971.10), dbSNP rs370930011, ClinGen allele CA110546798.

ClinVar aggregate classification (germline): Uncertain significance. Review status: criteria provided, multiple submitters, no conflicts (2 of 4 stars). 3 submissions from 3 submitters: Uncertain significance (3). Last evaluated 2024-10-01.

Conditions:
Inborn genetic diseases. Identifiers: MedGen C0950123, MeSH D030342.
Short-rib thoracic dysplasia 6 with or without polydactyly (SRTD6). Also called: SHORT RIB-POLYDACTYLY SYNDROME, TYPE IIA; Majewski Syndrome; SHORT-RIB THORACIC DYSPLASIA 6 WITH POLYDACTYLY; SHORT-RIB THORACIC DYSPLASIA 6 WITHOUT POLYDACTYLY; POLYDACTYLY WITH NEONATAL CHONDRODYSTROPHY, TYPE II. Identifiers: MedGen C0024507, MONDO:0009894, OMIM 263520.

Allele frequency attached by ClinVar (database versions not stated): gnomAD exomes 0.00001; TOPMed 0.00002; gnomAD 0.00003; ESP Exome Variant Server 0.00008.
gnomAD v4.1: 12 of 1,613,298 alleles (0.00074%); highest among the groups gnomAD compares: Non-Finnish European, 0.001%; no homozygotes.

Submissions (3):

Ambry Genetics
Classification: Uncertain significance for Inborn genetic diseases. Last evaluated: 2024-10-01. Review status: criteria provided, single submitter. Criteria: Ambry Variant Classification Scheme 2023. Collection method: clinical testing. Allele origin: germline.

Labcorp Genetics (formerly Invitae), Labcorp
Classification: Uncertain significance for Short-rib thoracic dysplasia 6 with or without polydactyly. Last evaluated: 2023-04-06. Review status: criteria provided, single submitter. Criteria: Invitae Variant Classification Sherloc (09022015). Collection method: clinical testing. Allele origin: germline.
Comment: This variant is present in population databases (rs370930011, gnomAD 0.0009%). This variant has not been reported in the literature in individuals affected with NEK1-related conditions. ClinVar contains an entry for this variant (Variation ID: 435971). This sequence change replaces lysine, which is basic and polar, with glutamic acid, which is acidic and polar, at codon 911 of the NEK1 protein (p.Lys911Glu). Advanced modeling of protein sequence and biophysical properties (such as structural, functional, and spatial information, amino acid conservation, physicochemical variation, residue mobility, and thermodynamic stability) performed at Invitae indicates that this missense variant is not expected to disrupt NEK1 protein function. In summary, the available evidence is currently insufficient to determine the role of this variant in disease. Therefore, it has been classified as a Variant of Uncertain Significance.

Genetic Services Laboratory, University of Chicago
Classification: Uncertain significance. Last evaluated: 2016-04-08. Review status: criteria provided, single submitter. Criteria: ACMG Guidelines, 2015. Collection method: clinical testing. Allele origin: germline. Affected: no.